The following is an entry in ClinVar:

NM_000179.3(MSH6):c.3172+9_3172+10del

Gene: MSH6 (mutS homolog 6; plus strand). Cytogenetic location: 2p16.3.
Variant type: Deletion.
Coding change: c.3172+9_3172+10del on transcript NM_000179.3 (MANE Select); bases 9 to 10 of the intron after coding-DNA position 3172, 2 bases deleted (TT; older notation c.3172+9_3172+10delTT).
Molecular consequence: intron variant.
Genome position (GRCh38, 1-based): chr2:47,801,164-47,801,165, TT deleted; deleting any 2 consecutive bases within chr2:47,801,163-47,801,165 gives the same sequence; the c. name uses the placement nearest the transcript's 3' end. VCF-style (leftmost placement, unchanged base first): chr2-47801162-CTT-C. GRCh37 (hg19) VCF-style: chr2-48028301-CTT-C.
Other names: c.2266+9_2266+10del (NM_001281493.2, NM_001281494.2); c.2782+9_2782+10del (NM_001281492.2); c.3172+9_3172+10delTT (NM_000179.2).
Identifiers: ClinVar variation 237179 (VCV000237179.15), dbSNP rs878853730, ClinGen allele CA10582080.

ClinVar aggregate classification (germline): Likely benign. Review status: criteria provided, multiple submitters, no conflicts (2 of 4 stars). 3 submissions from 3 submitters: Likely benign (3). Last evaluated 2026-01-27.

Conditions:
Hereditary nonpolyposis colorectal neoplasms. Identifiers: MedGen C0009405, MeSH D003123.
Hereditary cancer-predisposing syndrome. Also called: Hereditary neoplastic syndrome; Hereditary Cancer Syndrome; Neoplastic Syndromes, Hereditary; Tumor predisposition. Identifiers: Orphanet 140162, MedGen C0027672, MeSH D009386, MONDO:0015356.
Lynch syndrome 5 (LYNCH5). Also called: Hereditary non-polyposis colorectal cancer, type 5; Colorectal cancer, hereditary nonpolyposis, type 5. Identifiers: Orphanet 144, MedGen C1833477, MONDO:0013710, OMIM 614350. Disease mechanism: loss of function.

Submissions (3):

Labcorp Genetics (formerly Invitae), Labcorp
Classification: Likely benign for Hereditary nonpolyposis colorectal neoplasms. Last evaluated: 2026-01-27. Review status: criteria provided, single submitter. Criteria: Invitae Variant Classification Sherloc (09022015). Collection method: clinical testing. Allele origin: germline.

Myriad Genetics, Inc.
Classification: Likely benign for Lynch syndrome 5. Last evaluated: 2025-01-03. Review status: criteria provided, single submitter. Criteria: Myriad Autosomal Dominant, Autosomal Recessive and X-Linked Classification Criteria (2023). Collection method: clinical testing. Allele origin: unknown.
Comment: This variant is considered likely benign. This variant is intronic and is not expected to impact mRNA splicing.

Color Diagnostics, LLC DBA Color Health
Classification: Likely benign for Hereditary cancer-predisposing syndrome. Last evaluated: 2016-10-31. Review status: criteria provided, single submitter. Criteria: ACMG Guidelines, 2015. Collection method: clinical testing. Allele origin: germline.